The following is an entry in ClinVar:

NM_014444.5(TUBGCP4):c.355A>G (p.Ile119Val)

Gene: TUBGCP4 (tubulin gamma complex component 4; plus strand). Cytogenetic location: 15q15.3.
Variant type: single nucleotide variant.
Coding change: c.355A>G on transcript NM_014444.5 (MANE Select); coding-DNA position 355, A replaced by G.
Protein change: p.Ile119Val; replaces isoleucine 119 with valine.
Molecular consequence: missense variant.
Genome position (GRCh38, 1-based): chr15:43,377,038, A>G. VCF-style: chr15-43377038-A-G. GRCh37 (hg19) VCF-style: chr15-43669236-A-G.
Other names: c.355A>G, p.Ile119Val (NM_001286414.3); c.355A>G (NM_014444.2); short protein forms I119V.
Identifiers: ClinVar variation 2085515 (VCV002085515.5), dbSNP rs200053428, ClinGen allele CA7523746.
Genomic context (GRCh38, chr15:43,377,038, plus strand): 5'-TGTGTGGAGCTCTAATCACAAAGTTTTTTATTGCAGTTCCTGGGTGATCCCCATCTCTCC[A>G]TATCACATGTCAACTACTTCCTAGACCAGGTATGCTGCCCAAATAACCAAATGCCTTGCA-3'
Protein context (NP_055259.2, residues 109-129): QEFLGDPHLS[Ile119Val]SHVNYFLDQF

ClinVar aggregate classification (germline): Uncertain significance. Review status: criteria provided, multiple submitters, no conflicts (2 of 4 stars). 2 submissions from 2 submitters: Uncertain significance (2). Last evaluated 2025-12-09.

Conditions:
Inborn genetic diseases. Identifiers: MedGen C0950123, MeSH D030342.

Allele frequency attached by ClinVar (database versions not stated): TOPMed below 0.00001; gnomAD exomes 0.00001; ExAC 0.00003.
gnomAD v4.1: 7 of 1,614,044 alleles (0.00043%); highest among the groups gnomAD compares: Non-Finnish European, 0.00059%; no homozygotes.

Submissions (2):

Ambry Genetics
Classification: Uncertain significance for Inborn genetic diseases. Last evaluated: 2025-12-09. Review status: criteria provided, single submitter. Criteria: Ambry Variant Classification Scheme 2023. Collection method: clinical testing. Allele origin: germline.

Labcorp Genetics (formerly Invitae), Labcorp
Classification: Uncertain significance. Last evaluated: 2023-08-17. Review status: criteria provided, single submitter. Criteria: Invitae Variant Classification Sherloc (09022015). Collection method: clinical testing. Allele origin: germline.
Comment: This variant has not been reported in the literature in individuals affected with TUBGCP4-related conditions. In summary, the available evidence is currently insufficient to determine the role of this variant in disease. Therefore, it has been classified as a Variant of Uncertain Significance. Advanced modeling of protein sequence and biophysical properties (such as structural, functional, and spatial information, amino acid conservation, physicochemical variation, residue mobility, and thermodynamic stability) performed at Invitae indicates that this missense variant is not expected to disrupt TUBGCP4 protein function. ClinVar contains an entry for this variant (Variation ID: 2085515). This variant is present in population databases (rs200053428, gnomAD 0.004%). This sequence change replaces isoleucine, which is neutral and non-polar, with valine, which is neutral and non-polar, at codon 119 of the TUBGCP4 protein (p.Ile119Val).